The following is an entry in ClinVar:

NM_005859.5(PURA):c.704T>G (p.Val235Gly)

Gene: PURA (purine rich element binding protein A; plus strand). Cytogenetic location: 5q31.3.
Variant type: single nucleotide variant.
Coding change: c.704T>G on transcript NM_005859.5 (MANE Select); coding-DNA position 704, T replaced by G.
Protein change: p.Val235Gly; replaces valine 235 with glycine.
Molecular consequence: missense variant.
Genome position (GRCh38, 1-based): chr5:140,114,885, T>G. VCF-style: chr5-140114885-T-G. GRCh37 (hg19) VCF-style: chr5-139494470-T-G.
Other names: short protein forms V235G.
Identifiers: ClinVar variation 391357 (VCV000391357.3), dbSNP rs1057524051, ClinGen allele CA16604710.

ClinVar aggregate classification (germline): Likely pathogenic (1 of 4 stars; one submission).

Submission:

GeneDx
Classification: Likely pathogenic. Last evaluated: 2026-01-22. Review status: criteria provided, single submitter. Criteria: GeneDx Variant Classification Process June 2021. Collection method: clinical testing. Allele origin: germline. Affected: yes.
Comment: Not observed at significant frequency in large population cohorts (gnomAD); In silico analysis supports that this missense variant has a deleterious effect on protein structure/function; This variant is associated with the following publications: (PMID: 35982159, 33057194)